The following is an entry in ClinVar:

NM_023110.3(FGFR1):c.239G>C (p.Arg80Pro)

Gene: FGFR1 (fibroblast growth factor receptor 1; minus strand). Cytogenetic location: 8p11.23.
Variant type: single nucleotide variant.
Coding change: c.239G>C on transcript NM_023110.3 (MANE Select); coding-DNA position 239, G replaced by C.
Protein change: p.Arg80Pro; replaces arginine 80 with proline.
Molecular consequence: missense variant. On other transcripts: intron variant (5).
Genome position (GRCh38, 1-based): chr8:38,429,801, C>G on the plus strand (G>C on the coding strand, the complement: FGFR1 is on the minus strand). VCF-style: chr8-38429801-C-G. GRCh37 (hg19) VCF-style: chr8-38287319-C-G.
Other names: c.239G>C, p.Arg80Pro (NM_000604.2, NM_001174063.2, NM_001174065.2 and 4 more transcripts); c.215G>C, p.Arg72Pro (NM_001174064.2); c.338G>C, p.Arg113Pro (NM_001174067.2); c.92-1366G>C (NM_001354368.2, NM_001354370.2, NM_023106.3 and 2 more transcripts); short protein forms R113P, R72P, R80P.
Identifiers: ClinVar variation 2505424 (VCV002505424.2), dbSNP rs201055054, ClinGen allele CA370736372.

ClinVar aggregate classification (germline): Uncertain significance. Review status: criteria provided, multiple submitters, no conflicts (2 of 4 stars). 2 submissions from 2 submitters: Uncertain significance (2). Last evaluated 2025-11-06.

Conditions:
Hypogonadotropic hypogonadism 2 with or without anosmia (HH2). Also called: FGFR1-Related GnRH Deficiency (Kallmann Syndrome 2); HYPOGONADOTROPIC HYPOGONADISM 2 WITHOUT ANOSMIA; HYPOGONADOTROPIC HYPOGONADISM 2 WITH OR WITHOUT ANOSMIA, SUSCEPTIBILITY TO; HYPOGONADOTROPIC HYPOGONADISM 2 WITHOUT ANOSMIA, SUSCEPTIBILITY TO. Identifiers: Orphanet 478, MedGen C1563720, MONDO:0007844, OMIM 147950. Disease mechanism: loss of function.
Pfeiffer syndrome (ACS5). Also called: ACS V. Identifiers: Orphanet 710, MedGen C0220658, MONDO:0007043, OMIM 101600.

Submissions (2):

Labcorp Genetics (formerly Invitae), Labcorp
Classification: Uncertain significance for Pfeiffer syndrome; Hypogonadotropic hypogonadism 2 with or without anosmia. Last evaluated: 2025-11-06. Review status: criteria provided, single submitter. Criteria: Invitae Variant Classification Sherloc (09022015). Collection method: clinical testing. Allele origin: germline.
Comment: This sequence change replaces arginine, which is basic and polar, with proline, which is neutral and non-polar, at codon 80 of the FGFR1 protein (p.Arg80Pro). This variant is not present in population databases (gnomAD no frequency). This missense change has been observed in individuals with idiopathic hypogonadotropic hypogonadism (PMID: 37805574; internal data). ClinVar contains an entry for this variant (Variation ID: 2505424). Invitae Evidence Modeling of protein sequence and biophysical properties (such as structural, functional, and spatial information, amino acid conservation, physicochemical variation, residue mobility, and thermodynamic stability) has been performed for this missense variant. However, the output from this modeling did not meet the statistical confidence thresholds required to predict the impact of this variant on FGFR1 protein function. In summary, the available evidence is currently insufficient to determine the role of this variant in disease. Therefore, it has been classified as a Variant of Uncertain Significance.

Reproductive Endocrine Unit, Massachusetts General Hospital
Classification: Uncertain significance for Hypogonadotropic hypogonadism 2 with or without anosmia. Last evaluated: 2023-05-04. Review status: criteria provided, single submitter. Criteria: ACMG Guidelines, 2015. Collection method: research. Allele origin: inherited. Affected: yes. Observed: 1 variant allele.

Literature cited by the submitters: PubMed 37805574 (cited by Labcorp Genetics (formerly Invitae), Labcorp).